The following is an entry in ClinVar:

ClinVar aggregate classification (germline): Uncertain significance. Review status: criteria provided, multiple submitters, no conflicts (2 of 4 stars). 2 submissions from 2 submitters: Uncertain significance (2). Last evaluated 2025-12-02.

Allele frequency attached by ClinVar (database versions not stated): ExAC 0.00007; 1000 Genomes Project 30x 0.00031; gnomAD 0.00007; ESP Exome Variant Server 0.00008; gnomAD exomes 0.00012; 1000 Genomes Project 0.00020; TOPMed 0.00008.
gnomAD v4.1: 195 of 1,610,356 alleles (0.012%); highest among the groups gnomAD compares: Non-Finnish European, 0.015%; no homozygotes.

Submissions (2):

Ambry Genetics
Classification: Uncertain significance. Last evaluated: 2025-12-02. Review status: criteria provided, single submitter. Criteria: Ambry Variant Classification Scheme 2023. Collection method: clinical testing. Allele origin: germline.

Labcorp Genetics (formerly Invitae), Labcorp
Classification: Uncertain significance. Last evaluated: 2025-08-06. Review status: criteria provided, single submitter. Criteria: Invitae Variant Classification Sherloc (09022015). Collection method: clinical testing. Allele origin: germline.
Comment: This sequence change replaces serine, which is neutral and polar, with asparagine, which is neutral and polar, at codon 759 of the BUB1 protein (p.Ser759Asn). This variant is present in population databases (rs182377124, gnomAD 0.01%). This variant has not been reported in the literature in individuals affected with BUB1-related conditions. ClinVar contains an entry for this variant (Variation ID: 1788864). Experimental studies and prediction algorithms are not available or were not evaluated, and the functional significance of this variant is currently unknown. In summary, the available evidence is currently insufficient to determine the role of this variant in disease. Therefore, it has been classified as a Variant of Uncertain Significance.

NM_004336.5(BUB1):c.2276G>A (p.Ser759Asn)

Gene: BUB1 (BUB1 mitotic checkpoint serine/threonine kinase; minus strand). Cytogenetic location: 2q13.
Variant type: single nucleotide variant.
Coding change: c.2276G>A on transcript NM_004336.5 (MANE Select); coding-DNA position 2276, G replaced by A.
Protein change: p.Ser759Asn; replaces serine 759 with asparagine.
Molecular consequence: missense variant.
Genome position (GRCh38, 1-based): chr2:110,649,305, C>T on the plus strand (G>A on the coding strand, the complement: BUB1 is on the minus strand). VCF-style: chr2-110649305-C-T. GRCh37 (hg19) VCF-style: chr2-111406882-C-T.
Other names: c.2216G>A, p.Ser739Asn (NM_001278616.2); c.2276G>A, p.Ser759Asn (NM_001278617.2); short protein forms S739N, S759N.
Identifiers: ClinVar variation 1788864 (VCV001788864.7), dbSNP rs182377124, ClinGen allele CA1827828.